The following is an entry in ClinVar:

ClinVar aggregate classification (germline): Uncertain significance (1 of 4 stars; one submission).

Conditions:
Familial thoracic aortic aneurysm and aortic dissection (TAAD). Also called: Thoracic aortic aneurysms and dissections. Identifiers: Orphanet 91387, MedGen C4707243, MONDO:0019625.

gnomAD v4.1: 1 of 1,614,218 alleles (0.000062%); highest among the groups gnomAD compares: Non-Finnish European, 0.000085%; no homozygotes.

Submission:

All of Us Research Program, National Institutes of Health
Classification: Uncertain significance for Familial thoracic aortic aneurysm and aortic dissection. Last evaluated: 2023-06-08. Review status: criteria provided, single submitter. Criteria: ACMG Guidelines, 2015. Collection method: clinical testing. Allele origin: germline. Inheritance: Autosomal dominant inheritance. Observed: 1 variant allele, 1 heterozygote.
Comment: This missense variant replaces arginine with leucine at codon 676 of the MYH11 protein. Computational prediction suggests that this variant may have deleterious impact on protein structure and function (internally defined REVEL score threshold >= 0.7, PMID: 27666373). To our knowledge, functional studies have not been reported for this variant. This variant has not been reported in individuals affected with MYH11-related disorders in the literature. This variant has been identified in 1/251360 chromosomes in the general population by the Genome Aggregation Database (gnomAD). The available evidence is insufficient to determine the role of this variant in disease conclusively. Therefore, this variant is classified as a Variant of Uncertain Significance.

This study involves interpretation of variants in research participants for the purpose of population health screening. Participant phenotype was not available at the time of variant classification. Additional details can be found in publication PMID: 35346344, PMCID: PMC8962531

NM_002474.3(MYH11):c.2006G>T (p.Arg669Leu)

Gene: MYH11 (myosin heavy chain 11; minus strand). Cytogenetic location: 16p13.11.
Variant type: single nucleotide variant.
Coding change: c.2006G>T on transcript NM_002474.3 (MANE Select); coding-DNA position 2006, G replaced by T.
Protein change: p.Arg669Leu; replaces arginine 669 with leucine.
Molecular consequence: missense variant.
Genome position (GRCh38, 1-based): chr16:15,750,190, C>A on the plus strand (G>T on the coding strand, the complement: MYH11 is on the minus strand). VCF-style: chr16-15750190-C-A. GRCh37 (hg19) VCF-style: chr16-15844047-C-A.
Other names: c.2027G>T, p.Arg676Leu (NM_001040113.2, NM_001040114.2); c.2006G>T, p.Arg669Leu (NM_022844.3); short protein forms R669L, R676L.
Identifiers: ClinVar variation 3071594 (VCV003071594.1), dbSNP rs760656490, ClinGen allele CA7922453.